The following is an entry in ClinVar:

NM_001378454.1(ALMS1):c.11632C>T (p.Gln3878Ter)

Gene: ALMS1 (ALMS1 centrosome and basal body associated protein; plus strand). Cytogenetic location: 2p13.1.
Variant type: single nucleotide variant.
Coding change: c.11632C>T on transcript NM_001378454.1 (MANE Select); coding-DNA position 11632, C replaced by T.
Protein change: p.Gln3878Ter; replaces glutamine 3878 with a stop codon.
Molecular consequence: nonsense.
Genome position (GRCh38, 1-based): chr2:73,599,485, C>T. VCF-style: chr2-73599485-C-T. GRCh37 (hg19) VCF-style: chr2-73826612-C-T.
Other names: c.11635C>T, p.Gln3879Ter (NM_015120.4); short protein forms Q3878*, Q3879*.
Identifiers: ClinVar variation 1098779 (VCV001098779.1), dbSNP rs1675625092, ClinGen allele CA347263016.

ClinVar aggregate classification (germline): Likely pathogenic (1 of 4 stars; one submission).

Conditions:
Alstrom syndrome (ALMS). Identifiers: Orphanet 64, MedGen C0268425, MONDO:0008763, OMIM 203800.

Allele frequency attached by ClinVar (database versions not stated): TOPMed below 0.00001.

Submission:

Women's Health and Genetics/Laboratory Corporation of America, LabCorp
Classification: Likely pathogenic for Alstrom syndrome. Last evaluated: 2021-04-20. Review status: criteria provided, single submitter. Criteria: LabCorp Variant Classification Summary - May 2015. Collection method: clinical testing. Allele origin: germline.
Comment: Variant summary: ALMS1 c.11629C>T (p.Gln3877X, Refseq c.11635C>T) results in a premature termination codon, predicted to cause a truncation of the encoded protein or absence of the protein due to nonsense mediated decay, which are commonly known mechanisms for disease. Truncations downstream of this position have been classified as pathogenic by our laboratory. The variant was absent in 249002 control chromosomes. To our knowledge, no occurrence of c.11629C>T in individuals affected with Alstrom Syndrome With Dilated Cardiomyopathy and no experimental evidence demonstrating its impact on protein function have been reported. No clinical diagnostic laboratories have submitted clinical-significance assessments for this variant to ClinVar after 2014. Based on the evidence outlined above, the variant was classified as likely pathogenic.